The following is an entry in ClinVar:

NM_001042492.3(NF1):c.2850+5A>G

Gene: NF1 (neurofibromin 1; plus strand). Cytogenetic location: 17q11.2.
Variant type: single nucleotide variant.
Coding change: c.2850+5A>G on transcript NM_001042492.3 (MANE Select); 5 bases into the intron after coding-DNA position 2850, A replaced by G.
Molecular consequence: intron variant.
Genome position (GRCh38, 1-based): chr17:31,229,470, A>G. VCF-style: chr17-31229470-A-G. GRCh37 (hg19) VCF-style: chr17-29556488-A-G.
Other names: c.2850+5A>G (NM_000267.4).
Identifiers: ClinVar variation 220708 (VCV000220708.4), dbSNP rs864622633, ClinGen allele CA349346.

ClinVar aggregate classification (germline): Uncertain significance (1 of 4 stars; one submission).

Conditions:
Neurofibromatosis, type 1 (NF1). Also called: Peripheral type neurofibromatosis; NEUROFIBROMATOSIS, TYPE I, SOMATIC; Neurofibromatosis, type I; VON RECKLINGHAUSEN DISEASE. Identifiers: Orphanet 636, MedGen C0027831, MONDO:0018975, OMIM 162200. Disease mechanism: loss of function.

Submission:

Labcorp Genetics (formerly Invitae), Labcorp
Classification: Uncertain significance for Neurofibromatosis, type 1. Last evaluated: 2021-09-01. Review status: criteria provided, single submitter. Criteria: Invitae Variant Classification Sherloc (09022015). Collection method: clinical testing. Allele origin: germline.
Comment: This sequence change falls in intron 21 of the NF1 gene. It does not directly change the encoded amino acid sequence of the NF1 protein. It affects a nucleotide within the consensus splice site of the intron. This variant is not present in population databases (ExAC no frequency). This variant has not been reported in the literature in individuals affected with NF1-related conditions. ClinVar contains an entry for this variant (Variation ID: 220708). Variants that disrupt the consensus splice site are a relatively common cause of aberrant splicing (PMID: 17576681, 9536098). Algorithms developed to predict the effect of sequence changes on RNA splicing suggest that this variant is not likely to affect RNA splicing. In summary, the available evidence is currently insufficient to determine the role of this variant in disease. Therefore, it has been classified as a Variant of Uncertain Significance.

Literature cited by the submitters: PubMed 17576681; PubMed 9536098.